The following is an entry in ClinVar:

ClinVar aggregate classification (germline): Pathogenic (1 of 4 stars; one submission).

Submission:

GeneDx
Classification: Pathogenic. Last evaluated: 2018-10-18. Review status: criteria provided, single submitter. Criteria: GeneDx Variant Classification (06012015). Collection method: clinical testing. Allele origin: germline. Affected: yes.
Comment: The Q2571X variant in the ANKRD11 gene has not been reported previously as a pathogenic variant nor as a benign variant, to our knowledge. This variant is predicted to cause loss of normal protein function either through protein truncation or nonsense-mediated mRNA decay. The Q2571X variant is not observed in large population cohorts (Lek et al., 2016). We interpret Q2571X as a pathogenic variant.

NM_013275.6(ANKRD11):c.7711C>T (p.Gln2571Ter)

Gene: ANKRD11 (ankyrin repeat domain containing 11; minus strand). Cytogenetic location: 16q24.3.
Variant type: single nucleotide variant.
Coding change: c.7711C>T on transcript NM_013275.6 (MANE Select); coding-DNA position 7711, C replaced by T.
Protein change: p.Gln2571Ter; replaces glutamine 2571 with a stop codon.
Molecular consequence: nonsense.
Genome position (GRCh38, 1-based): chr16:89,274,816, G>A on the plus strand (C>T on the coding strand, the complement: ANKRD11 is on the minus strand). VCF-style: chr16-89274816-G-A. GRCh37 (hg19) VCF-style: chr16-89341224-G-A.
Other names: c.7711C>T, p.Gln2571Ter (NM_001256182.2, NM_001256183.2); short protein forms Q2571*.
Identifiers: ClinVar variation 620440 (VCV000620440.1), dbSNP rs1567543920, ClinGen allele CA397147448.